The following is an entry in ClinVar:

ClinVar aggregate classification (germline): Conflicting classifications of pathogenicity. Review status: criteria provided, conflicting classifications (1 of 4 stars). 2 submissions from 2 submitters: Uncertain significance (1); Likely benign (1). Last evaluated 2025-12-31.

Conditions:
Telangiectasia, hereditary hemorrhagic, type 2 (HHT2). Also called: Telangiectasia, hereditary hemorrhagic, type II; ACVRL1-Related Hereditary Hemorrhagic Telangiectasia. Identifiers: Orphanet 774, MedGen C1838163, MONDO:0010880, OMIM 600376. Disease mechanism: loss of function.
Cardiovascular phenotype. Identifiers: MedGen CN230736.

Allele frequency attached by ClinVar (database versions not stated): ExAC 0.00001; gnomAD exomes 0.00001; TOPMed 0.00002.
gnomAD v4.1: 14 of 1,613,896 alleles (0.00087%); highest among the groups gnomAD compares: South Asian, 0.0055%; no homozygotes.

Submissions (2):

Ambry Genetics
Classification: Likely benign for Cardiovascular phenotype. Last evaluated: 2025-12-31. Review status: criteria provided, single submitter. Criteria: Ambry Variant Classification Scheme 2023. Collection method: clinical testing. Allele origin: germline.

Labcorp Genetics (formerly Invitae), Labcorp
Classification: Uncertain significance for Telangiectasia, hereditary hemorrhagic, type 2. Last evaluated: 2022-07-27. Review status: criteria provided, single submitter. Criteria: Invitae Variant Classification Sherloc (09022015). Collection method: clinical testing. Allele origin: germline.
Comment: This variant has not been reported in the literature in individuals affected with ACVRL1-related conditions. In summary, the available evidence is currently insufficient to determine the role of this variant in disease. Therefore, it has been classified as a Variant of Uncertain Significance. Advanced modeling of protein sequence and biophysical properties (such as structural, functional, and spatial information, amino acid conservation, physicochemical variation, residue mobility, and thermodynamic stability) performed at Invitae indicates that this missense variant is expected to disrupt ACVRL1 protein function. This variant is present in population databases (rs751873489, gnomAD 0.003%). This sequence change replaces arginine, which is basic and polar, with glutamine, which is neutral and polar, at codon 454 of the ACVRL1 protein (p.Arg454Gln).

NM_000020.3(ACVRL1):c.1361G>A (p.Arg454Gln)

Gene: ACVRL1 (activin A receptor like type 1; plus strand). Cytogenetic location: 12q13.13.
Variant type: single nucleotide variant.
Coding change: c.1361G>A on transcript NM_000020.3 (MANE Select); coding-DNA position 1361, G replaced by A.
Protein change: p.Arg454Gln; replaces arginine 454 with glutamine.
Molecular consequence: missense variant.
Genome position (GRCh38, 1-based): chr12:51,919,099, G>A. VCF-style: chr12-51919099-G-A. GRCh37 (hg19) VCF-style: chr12-52312883-G-A.
Other names: c.1361G>A, p.Arg454Gln (NM_001077401.2, NM_001406487.1, NM_001406488.1 and 1 more transcripts); c.1205G>A, p.Arg402Gln (NM_001406490.1); c.1049G>A, p.Arg350Gln (NM_001406491.1, NM_001406492.1, NM_001406493.1); c.851G>A, p.Arg284Gln (NM_001406494.1); c.797G>A, p.Arg266Gln (NM_001406495.1); short protein forms R350Q, R266Q, R454Q, R284Q, R402Q.
Identifiers: ClinVar variation 2201102 (VCV002201102.4), dbSNP rs751873489, ClinGen allele CA6573126.